The following is an entry in ClinVar:

NM_004260.4(RECQL4):c.1815T>A (p.Asp605Glu)

Gene: RECQL4 (RecQ like helicase 4; minus strand). Cytogenetic location: 8q24.3.
Variant type: single nucleotide variant.
Coding change: c.1815T>A on transcript NM_004260.4 (MANE Select); coding-DNA position 1815, T replaced by A.
Protein change: p.Asp605Glu; replaces aspartic acid 605 with glutamic acid.
Molecular consequence: missense variant. On other transcripts: non-coding transcript variant (3), intron variant (3).
Genome position (GRCh38, 1-based): chr8:144,514,252, A>T on the plus strand (T>A on the coding strand, the complement: RECQL4 is on the minus strand). VCF-style: chr8-144514252-A-T. GRCh37 (hg19) VCF-style: chr8-145739636-A-T.
Other names: c.1719T>A, p.Asp573Glu (NM_001413017.1, NM_001413020.1); c.1815T>A, p.Asp605Glu (NM_001413018.1, NM_001413019.1, NM_001413036.1); c.744T>A, p.Asp248Glu (NM_001413021.1, NM_001413022.1, NM_001413023.1 and 6 more transcripts); c.1686T>A, p.Asp562Glu (NM_001413025.1); c.678T>A, p.Asp226Glu (NM_001413027.1, NM_001413030.1, NM_001413032.1 and 1 more transcripts); c.1464T>A, p.Asp488Glu (NM_001413029.1); c.1785T>A, p.Asp595Glu (NM_001413039.1); c.714T>A, p.Asp238Glu (NM_001413042.1); and 4 more; short protein forms D226E, D573E, D605E, D248E, D488E, D116E, D238E, D562E.
Identifiers: ClinVar variation 3788086 (VCV003788086.1).

ClinVar aggregate classification (germline): Uncertain significance (1 of 4 stars; one submission).

Conditions:
Inborn genetic diseases. Identifiers: MedGen C0950123, MeSH D030342.

Submission:

Ambry Genetics
Classification: Uncertain significance for Inborn genetic diseases. Last evaluated: 2025-03-09. Review status: criteria provided, single submitter. Criteria: Ambry Variant Classification Scheme 2023. Collection method: clinical testing. Allele origin: germline.
Comment: The p.D605E variant (also known as c.1815T>A), located in coding exon 11 of the RECQL4 gene, results from a T to A substitution at nucleotide position 1815. The aspartic acid at codon 605 is replaced by glutamic acid, an amino acid with highly similar properties. This amino acid position is conserved. In addition, this alteration is predicted to be deleterious by in silico analysis. Based on the available evidence, the clinical significance of this variant remains unclear.